The following is an entry in ClinVar:

ClinVar aggregate classification (germline): Likely benign. Review status: criteria provided, single submitter (1 of 4 stars). 2 submissions from 2 submitters: Likely benign (1). 1 of the submissions does not count toward it. Last evaluated 2025-11-03.

Conditions:
TET2-related disorder. Also called: TET2-related condition.

Allele frequency attached by ClinVar (database versions not stated): gnomAD exomes below 0.00001; gnomAD 0.00001; TOPMed 0.00002.
gnomAD v4.1: 3 of 1,551,836 alleles (0.00019%); highest among the groups gnomAD compares: East Asian, 0.0073%; no homozygotes.

Submissions (2):

Labcorp Genetics (formerly Invitae), Labcorp
Classification: Likely benign. Last evaluated: 2025-11-03. Review status: criteria provided, single submitter. Criteria: Invitae Variant Classification Sherloc (09022015). Collection method: clinical testing. Allele origin: germline.

PreventionGenetics, part of Exact Sciences
Classification: Likely benign for TET2-related condition. Last evaluated: 2019-08-30. Review status: no assertion criteria provided. Collection method: clinical testing. Allele origin: germline. Not counted in ClinVar's aggregate classification.
Comment: This variant is classified as likely benign based on ACMG/AMP sequence variant interpretation guidelines (Richards et al. 2015 PMID: 25741868, with internal and published modifications).

NM_001127208.3(TET2):c.5883G>A (p.Glu1961=)

Genes: TET2 (tet methylcytosine dioxygenase 2; plus strand), TET2-AS1 (TET2 antisense RNA 1; minus strand). Cytogenetic location: 4q24.
Variant type: single nucleotide variant.
Coding change: c.5883G>A on transcript NM_001127208.3 (MANE Select); coding-DNA position 5883, G replaced by A.
Protein change: p.Glu1961=; no amino-acid change (glutamic acid 1961 retained).
Molecular consequence: synonymous variant.
Genome position (GRCh38, 1-based): chr4:105,276,393, G>A. VCF-style: chr4-105276393-G-A. GRCh37 (hg19) VCF-style: chr4-106197550-G-A.
Identifiers: ClinVar variation 3052524 (VCV003052524.3), dbSNP rs1225834362, ClinGen allele CA440815091.